The following is an entry in ClinVar:

ClinVar aggregate classification (germline): Uncertain significance (1 of 4 stars; one submission).

Conditions:
Inborn genetic diseases. Identifiers: MedGen C0950123, MeSH D030342.

Allele frequency attached by ClinVar (database versions not stated): gnomAD 0.00001; gnomAD exomes 0.00001; TOPMed 0.00001; ExAC 0.00002.
gnomAD v4.1: 8 of 1,613,574 alleles (0.0005%); highest among the groups gnomAD compares: East Asian, 0.018%; no homozygotes.

Submission:

Ambry Genetics
Classification: Uncertain significance for Inborn genetic diseases. Last evaluated: 2023-09-14. Review status: criteria provided, single submitter. Criteria: Ambry Variant Classification Scheme 2023. Collection method: clinical testing. Allele origin: germline.
Comment: The p.E1789Q variant (also known as c.5365G>C), located in coding exon 37 of the LRRK2 gene, results from a G to C substitution at nucleotide position 5365. The glutamic acid at codon 1789 is replaced by glutamine, an amino acid with highly similar properties. This amino acid position is conserved. In addition, the in silico prediction for this alteration is inconclusive. Since supporting evidence is limited at this time, the clinical significance of this alteration remains unclear.

NM_198578.4(LRRK2):c.5365G>C (p.Glu1789Gln)

Gene: LRRK2 (leucine rich repeat kinase 2; plus strand). Cytogenetic location: 12q12.
Variant type: single nucleotide variant.
Coding change: c.5365G>C on transcript NM_198578.4 (MANE Select); coding-DNA position 5365, G replaced by C.
Protein change: p.Glu1789Gln; replaces glutamic acid 1789 with glutamine.
Molecular consequence: missense variant.
Genome position (GRCh38, 1-based): chr12:40,322,366, G>C. VCF-style: chr12-40322366-G-C. GRCh37 (hg19) VCF-style: chr12-40716168-G-C.
Other names: short protein forms E1789Q.
Identifiers: ClinVar variation 1747083 (VCV001747083.3), dbSNP rs757331822, ClinGen allele CA6514434.